The following is an entry in ClinVar:

NM_001876.4(CPT1A):c.145G>A (p.Gly49Ser)

Gene: CPT1A (carnitine palmitoyltransferase 1A; minus strand). Cytogenetic location: 11q13.3.
Variant type: single nucleotide variant.
Coding change: c.145G>A on transcript NM_001876.4 (MANE Select); coding-DNA position 145, G replaced by A.
Protein change: p.Gly49Ser; replaces glycine 49 with serine.
Molecular consequence: missense variant.
Genome position (GRCh38, 1-based): chr11:68,812,573, C>T on the plus strand (G>A on the coding strand, the complement: CPT1A is on the minus strand). VCF-style: chr11-68812573-C-T. GRCh37 (hg19) VCF-style: chr11-68580041-C-T.
Other names: c.145G>A, p.Gly49Ser (NM_001031847.3); short protein forms G49S.
Identifiers: ClinVar variation 374697 (VCV000374697.53), dbSNP rs552007692, ClinGen allele CA6152764.

ClinVar aggregate classification (germline): Conflicting classifications of pathogenicity. Review status: criteria provided, conflicting classifications (1 of 4 stars). 6 submissions from 6 submitters: Uncertain significance (4); Likely benign (1). 1 of the submissions does not count toward it. Last evaluated 2026-01-19.

Conditions:
Carnitine palmitoyl transferase 1A deficiency. Also called: CPT I DEFICIENCY; CPT DEFICIENCY, HEPATIC, TYPE I; CPT deficiency, hepatic, type IA; Carnitine palmitoyltransferase type I deficiency; Carnitine palmitoyltransferase 1A deficiency. Identifiers: Orphanet 156, MedGen C1829703, MONDO:0009705, OMIM 255120.

Allele frequency attached by ClinVar (database versions not stated): TOPMed 0.00003; gnomAD 0.00004 and 0.00008; gnomAD exomes 0.00014 and 0.00017; 1000 Genomes Project 30x 0.00016; 1000 Genomes Project 0.00020; ExAC 0.00022.
gnomAD v4.1: 215 of 1,614,118 alleles (0.013%); highest among the groups gnomAD compares: South Asian, 0.14%; 1 homozygote.

Submissions (6):

Labcorp Genetics (formerly Invitae), Labcorp
Classification: Likely benign for Carnitine palmitoyl transferase 1A deficiency. Last evaluated: 2026-01-19. Review status: criteria provided, single submitter. Criteria: Invitae Variant Classification Sherloc (09022015). Collection method: clinical testing. Allele origin: germline.

Genome-Nilou Lab
Classification: Uncertain significance for Carnitine palmitoyl transferase 1A deficiency. Last evaluated: 2021-07-14. Review status: criteria provided, single submitter. Criteria: ACMG Guidelines, 2015. Collection method: clinical testing. Allele origin: germline. Affected: no.

CeGaT Center for Human Genetics Tuebingen
Classification: Uncertain significance. Last evaluated: 2016-07-01. Review status: criteria provided, single submitter. Criteria: CeGaT Center For Human Genetics Tuebingen Variant Classification Criteria Version 2. Collection method: clinical testing. Allele origin: germline. Affected: yes. Observed: 1 variant allele.

Breakthrough Genomics
Classification: Uncertain significance. Review status: criteria provided, single submitter. Criteria: ACMG Guidelines, 2015. Collection method: not provided. Allele origin: germline. Inheritance: Autosomal recessive inheritance. Affected: yes.

Neuberg Centre For Genomic Medicine, NCGM
Classification: Uncertain significance for Carnitine palmitoyl transferase 1A deficiency. Review status: criteria provided, single submitter. Criteria: ACMG Guidelines, 2015. Collection method: clinical testing. Allele origin: germline. Inheritance: Autosomal recessive inheritance. Affected: yes.
Comment: The missense variant c.145G>A (p.Gly49Ser) in CPT1A gene has not been reported previously as a pathogenic variant nor as a benign variant, to our knowledge. This variant has been reported to the ClinVar database as Uncertain Significance. The p.Gly49Ser variant is novel (not in any individuals) in 1000 Genomes and allele frequency of 0.01600% is reported in gnomAD. The amino acid Gly at position 49 is changed to a Ser changing protein sequence and it might alter its composition and physico-chemical properties. In silico tools predict the variant to be tolerated. The residue is conserved across species. The amino acid change p.Gly49Ser in CPT1A is predicted as conserved by GERP++ and PhyloP across 100 vertebrates. For these reasons, this variant has been classified as Uncertain Significance. In the absence of another reportable variant the molecular diagnosis is not confirmed.

Natera, Inc.
Classification: Uncertain significance for Carnitine palmitoyltransferase type I deficiency. Last evaluated: 2020-05-20. Review status: no assertion criteria provided. Collection method: clinical testing. Allele origin: germline. Not counted in ClinVar's aggregate classification.